The following is an entry in ClinVar:

NM_138792.4(LEO1):c.1113C>T (p.Asn371=)

Gene: LEO1 (LEO1 homolog, Paf1/RNA polymerase II complex component; minus strand). Cytogenetic location: 15q21.2.
Variant type: single nucleotide variant.
Coding change: c.1113C>T on transcript NM_138792.4 (MANE Select); coding-DNA position 1113, C replaced by T.
Protein change: p.Asn371=; no amino-acid change (asparagine 371 retained).
Molecular consequence: synonymous variant.
Genome position (GRCh38, 1-based): chr15:51,959,946, G>A on the plus strand (C>T on the coding strand, the complement: LEO1 is on the minus strand). VCF-style: chr15-51959946-G-A. GRCh37 (hg19) VCF-style: chr15-52252143-G-A.
Other names: c.1113C>T, p.Asn371= (NM_001286430.2, NM_001323903.2, NM_001323904.2 and 2 more transcripts).
Identifiers: ClinVar variation 3042579 (VCV003042579.2), dbSNP rs150743989, ClinGen allele CA7564540.

ClinVar aggregate classification (germline): Likely benign (0 of 4 stars; one submission).

Conditions:
LEO1-related disorder. Also called: LEO1-related condition.

Allele frequency attached by ClinVar (database versions not stated): ExAC 0.00011; gnomAD exomes 0.00017; gnomAD 0.00021; TOPMed 0.00032; ESP Exome Variant Server 0.00062.
gnomAD v4.1: 278 of 1,611,292 alleles (0.017%); highest among the groups gnomAD compares: African/African-American, 0.031%; no homozygotes.

Submission:

PreventionGenetics, part of Exact Sciences
Classification: Likely benign for LEO1-related condition. Last evaluated: 2019-06-24. Review status: no assertion criteria provided. Collection method: clinical testing. Allele origin: germline.
Comment: This variant is classified as likely benign based on ACMG/AMP sequence variant interpretation guidelines (Richards et al. 2015 PMID: 25741868, with internal and published modifications).